The following is an entry in ClinVar:

ClinVar aggregate classification (germline): Uncertain significance (1 of 4 stars; one submission).

Conditions:
Hereditary cancer-predisposing syndrome. Also called: Neoplastic Syndromes, Hereditary; Tumor predisposition; Hereditary neoplastic syndrome; Hereditary Cancer Syndrome. Identifiers: Orphanet 140162, MedGen C0027672, MeSH D009386, MONDO:0015356.
Cardiovascular phenotype. Identifiers: MedGen CN230736.

Submission:

Ambry Genetics
Classification: Uncertain significance for Cardiovascular phenotype; Hereditary cancer-predisposing syndrome. Last evaluated: 2025-08-13. Review status: criteria provided, single submitter. Criteria: Ambry Variant Classification Scheme 2023. Collection method: clinical testing. Allele origin: germline.
Comment: The p.C427Y variant (also known as c.1280G>A), located in coding exon 12 of the LZTR1 gene, results from a G to A substitution at nucleotide position 1280. The cysteine at codon 427 is replaced by tyrosine, an amino acid with highly dissimilar properties. This amino acid position is highly conserved in available vertebrate species. In addition, this alteration is predicted to be deleterious by in silico analysis. Based on the available evidence, the clinical significance of this variant remains unclear.

NM_006767.4(LZTR1):c.1280G>A (p.Cys427Tyr)

Gene: LZTR1 (leucine zipper like post translational regulator 1; plus strand). Cytogenetic location: 22q11.21.
Variant type: single nucleotide variant.
Coding change: c.1280G>A on transcript NM_006767.4 (MANE Select); coding-DNA position 1280, G replaced by A.
Protein change: p.Cys427Tyr; replaces cysteine 427 with tyrosine.
Molecular consequence: missense variant.
Genome position (GRCh38, 1-based): chr22:20,993,681, G>A. VCF-style: chr22-20993681-G-A. GRCh37 (hg19) VCF-style: chr22-21347970-G-A.
Other names: short protein forms C427Y.
Identifiers: ClinVar variation 3238049 (VCV003238049.2), dbSNP rs752079496.